The following is an entry in ClinVar:

ClinVar aggregate classification (germline): Uncertain significance. Review status: criteria provided, multiple submitters, no conflicts (2 of 4 stars). 2 submissions from 2 submitters: Uncertain significance (2). Last evaluated 2025-12-13.

Allele frequency attached by ClinVar (database versions not stated): gnomAD exomes below 0.00001; TOPMed below 0.00001; gnomAD 0.00001.
gnomAD v4.1: 15 of 1,614,078 alleles (0.00093%); highest among the groups gnomAD compares: African/African-American, 0.0027%; no homozygotes.

Submissions (2):

Labcorp Genetics (formerly Invitae), Labcorp
Classification: Uncertain significance. Last evaluated: 2025-12-13. Review status: criteria provided, single submitter. Criteria: Invitae Variant Classification Sherloc (09022015). Collection method: clinical testing. Allele origin: germline.
Comment: This sequence change replaces arginine, which is basic and polar, with histidine, which is basic and polar, at codon 517 of the ATP1A1 protein (p.Arg517His). This variant is present in population databases (no rsID available, gnomAD 0.007%). This variant has not been reported in the literature in individuals affected with ATP1A1-related conditions. ClinVar contains an entry for this variant (Variation ID: 1413437). Invitae Evidence Modeling of protein sequence and biophysical properties (such as structural, functional, and spatial information, amino acid conservation, physicochemical variation, residue mobility, and thermodynamic stability) has been performed for this missense variant. However, the output from this modeling did not meet the statistical confidence thresholds required to predict the impact of this variant on ATP1A1 protein function. In summary, the available evidence is currently insufficient to determine the role of this variant in disease. Therefore, it has been classified as a Variant of Uncertain Significance.

Mayo Clinic Laboratories, Mayo Clinic
Classification: Uncertain significance. Last evaluated: 2024-06-10. Review status: criteria provided, single submitter. Criteria: ACMG Guidelines, 2015. Collection method: clinical testing. Allele origin: germline. Observed: 1 variant allele.
Comment: PP3, PM2

NM_000701.8(ATP1A1):c.1550G>A (p.Arg517His)

Genes: ATP1A1 (ATPase Na+/K+ transporting subunit alpha 1; plus strand), ATP1A1-AS1 (ATP1A1 antisense RNA 1; minus strand). Cytogenetic location: 1p13.1.
Variant type: single nucleotide variant.
Coding change: c.1550G>A on transcript NM_000701.8 (MANE Select); coding-DNA position 1550, G replaced by A.
Protein change: p.Arg517His; replaces arginine 517 with histidine.
Molecular consequence: missense variant.
Genome position (GRCh38, 1-based): chr1:116,393,613, G>A. VCF-style: chr1-116393613-G-A. GRCh37 (hg19) VCF-style: chr1-116936235-G-A.
Other names: p.Arg517His; c.1550G>A, p.Arg517His (NM_001160233.2); c.1457G>A, p.Arg486His (NM_001160234.2); short protein forms R486H, R517H.
Identifiers: ClinVar variation 1413437 (VCV001413437.9), dbSNP rs11540949, ClinGen allele CA341771039.